The following is an entry in ClinVar:

NM_000020.3(ACVRL1):c.916_917delinsTT (p.Ala306Leu)

Gene: ACVRL1 (activin A receptor like type 1; plus strand). Cytogenetic location: 12q13.13.
Variant type: Indel.
Coding change: c.916_917delinsTT on transcript NM_000020.3 (MANE Select); coding-DNA positions 916 to 917, GC replaced by TT.
Protein change: p.Ala306Leu; replaces alanine 306 with leucine.
Molecular consequence: missense variant.
Genome position (GRCh38, 1-based): chr12:51,915,368-51,915,369, GC replaced by TT. VCF-style: chr12-51915368-GC-TT. GRCh37 (hg19) VCF-style: chr12-52309152-GC-TT.
Other names: c.916_917delinsTT, p.Ala306Leu (NM_001077401.2, NM_001406487.1, NM_001406488.1 and 1 more transcripts); c.604_605delinsTT, p.Ala202Leu (NM_001406490.1, NM_001406491.1, NM_001406492.1 and 2 more transcripts); c.352_353delinsTT, p.Ala118Leu (NM_001406495.1); short protein forms A118L, A202L, A306L.
Identifiers: ClinVar variation 4867548 (VCV004867548.1).
Genomic context (GRCh38, chr12:51,915,368, plus strand): 5'-TACGACTTTCTGCAGAGACAGACGCTGGAGCCCCATCTGGCTCTGAGGCTAGCTGTGTCC[GC>TT]GGCATGCGGCCTGGCGCACCTGCACGTGGAGATCTTCGGTACACAGGGCAAACCAGCCAT-3'
Protein context (NP_000011.2, residues 296-316): PHLALRLAVS[Ala306Leu]ACGLAHLHVE

ClinVar aggregate classification (germline): Uncertain significance (1 of 4 stars; one submission).

Conditions:
Cardiovascular phenotype. Identifiers: MedGen CN230736.

Submission:

Ambry Genetics
Classification: Uncertain significance for Cardiovascular phenotype. Last evaluated: 2026-03-17. Review status: criteria provided, single submitter. Criteria: Ambry Variant Classification Scheme 2023. Collection method: clinical testing. Allele origin: germline.
Comment: The c.916_917delGCinsTT variant (also known as p.A306L), located in coding exon 6 of the ACVRL1 gene, results from an in-frame deletion of GC and insertion of TT at nucleotide positions 916 to 917. This results in the substitution of the alanine residue for a leucine residue at codon 306, an amino acid with similar properties. This amino acid position is not well conserved in available vertebrate species. In addition, this variant is predicted to be neutral by in silico analysis (Choi Y et al. PLoS ONE. 2012; 7(10):e46688). Based on the available evidence, the clinical significance of this variant remains unclear.